The following is an entry in ClinVar:

ClinVar aggregate classification (germline): Pathogenic (1 of 4 stars; one submission).

Conditions:
Long QT syndrome (LQTS). Identifiers: MedGen C0023976, MeSH D008133, MONDO:0002442. Disease mechanism: loss of function. Inheritance: Various modes of inheritance.

Submission:

Labcorp Genetics (formerly Invitae), Labcorp
Classification: Pathogenic for Long QT syndrome. Last evaluated: 2025-12-16. Review status: criteria provided, single submitter. Criteria: Invitae Variant Classification Sherloc (09022015). Collection method: clinical testing. Allele origin: germline.
Comment: This sequence change creates a premature translational stop signal (p.Tyr125*) in the KCNQ1 gene. It is expected to result in an absent or disrupted protein product. Loss-of-function variants in KCNQ1 are known to be pathogenic (PMID: 9323054, 19862833). This variant is not present in population databases (gnomAD no frequency). This variant has not been reported in the literature in individuals affected with KCNQ1-related conditions. For these reasons, this variant has been classified as Pathogenic.

Literature cited by the submitters: PubMed 9323054; PubMed 19862833.

NM_000218.3(KCNQ1):c.375C>G (p.Tyr125Ter)

Gene: KCNQ1 (potassium voltage-gated channel subfamily Q member 1; plus strand). Cytogenetic location: 11p15.5.
Variant type: single nucleotide variant.
Coding change: c.375C>G on transcript NM_000218.3 (MANE Select); coding-DNA position 375, C replaced by G.
Protein change: p.Tyr125Ter; replaces tyrosine 125 with a stop codon.
Molecular consequence: nonsense. On other transcripts: missense variant (1).
Genome position (GRCh38, 1-based): chr11:2,445,473, C>G. VCF-style: chr11-2445473-C-G. GRCh37 (hg19) VCF-style: chr11-2466703-C-G.
Other names: c.375C>G, p.Tyr125Ter (NM_001406836.1, NM_001406838.1); c.13C>G, p.Pro5Ala (NM_001406837.1); short protein forms P5A, Y125*.
Identifiers: ClinVar variation 4732891 (VCV004732891.1).